The following is an entry in ClinVar:

ClinVar aggregate classification (germline): Uncertain significance (0 of 4 stars; one submission).

Conditions:
CHD4-related disorder. Also called: CHD4-related condition.

gnomAD v4.1: 4 of 1,613,794 alleles (0.00025%); highest among the groups gnomAD compares: Admixed American, 0.0017%; no homozygotes.

Submission:

PreventionGenetics, part of Exact Sciences
Classification: Uncertain significance for CHD4-related condition. Last evaluated: 2024-01-26. Review status: no assertion criteria provided. Collection method: clinical testing. Allele origin: germline.
Comment: The CHD4 c.212A>G variant is predicted to result in the amino acid substitution p.Gln71Arg. To our knowledge, this variant has not been reported in the literature or in a large population database, indicating this variant is rare. At this time, the clinical significance of this variant is uncertain due to the absence of conclusive functional and genetic evidence.

NM_001273.5(CHD4):c.212A>G (p.Gln71Arg)

Gene: CHD4 (chromodomain helicase DNA binding protein 4; minus strand). Cytogenetic location: 12p13.31.
Variant type: single nucleotide variant.
Coding change: c.212A>G on transcript NM_001273.5 (MANE Select); coding-DNA position 212, A replaced by G.
Protein change: p.Gln71Arg; replaces glutamine 71 with arginine.
Molecular consequence: missense variant.
Genome position (GRCh38, 1-based): chr12:6,602,386, T>C on the plus strand (A>G on the coding strand, the complement: CHD4 is on the minus strand). VCF-style: chr12-6602386-T-C. GRCh37 (hg19) VCF-style: chr12-6711552-T-C.
Other names: c.212A>G, p.Gln71Arg (NM_001297553.2, NM_001363606.2); short protein forms Q71R.
Identifiers: ClinVar variation 3053699 (VCV003053699.2), dbSNP rs749592811, ClinGen allele CA383605248.